The following is an entry in ClinVar:

NM_001134363.3(RBM20):c.3579T>A (p.Tyr1193Ter)

Gene: RBM20 (RNA binding motif protein 20; plus strand). Cytogenetic location: 10q25.2.
Variant type: single nucleotide variant.
Coding change: c.3579T>A on transcript NM_001134363.3 (MANE Select); coding-DNA position 3579, T replaced by A.
Protein change: p.Tyr1193Ter; replaces tyrosine 1193 with a stop codon.
Molecular consequence: nonsense.
Genome position (GRCh38, 1-based): chr10:110,835,873, T>A. VCF-style: chr10-110835873-T-A. GRCh37 (hg19) VCF-style: chr10-112595631-T-A.
Other names: short protein forms Y1193*.
Identifiers: ClinVar variation 4842216 (VCV004842216.1).

ClinVar aggregate classification (germline): Uncertain significance (1 of 4 stars; one submission).

Conditions:
Cardiovascular phenotype. Identifiers: MedGen CN230736.

Submission:

Ambry Genetics
Classification: Uncertain significance for Cardiovascular phenotype. Last evaluated: 2026-01-06. Review status: criteria provided, single submitter. Criteria: Ambry Variant Classification Scheme 2023. Collection method: clinical testing. Allele origin: germline.
Comment: The p.Y1193* variant (also known as c.3579T>A), located in coding exon 14 of the RBM20 gene, results from a T to A substitution at nucleotide position 3579. This changes the amino acid from a tyrosine to a stop codon within coding exon 14. This alteration is expected to result in protein truncation or nonsense-mediated mRNA decay. However, loss of function has not been established as a mechanism of disease. Based on the available evidence, the clinical significance of this alteration remains unclear.